The following is an entry in ClinVar:

NM_001363711.2(DUOX2):c.3355C>G (p.Pro1119Ala)

Gene: DUOX2 (dual oxidase 2; minus strand). Cytogenetic location: 15q21.1.
Variant type: single nucleotide variant.
Coding change: c.3355C>G on transcript NM_001363711.2 (MANE Select); coding-DNA position 3355, C replaced by G.
Protein change: p.Pro1119Ala; replaces proline 1119 with alanine.
Molecular consequence: missense variant.
Genome position (GRCh38, 1-based): chr15:45,099,722, G>C on the plus strand (C>G on the coding strand, the complement: DUOX2 is on the minus strand). VCF-style: chr15-45099722-G-C. GRCh37 (hg19) VCF-style: chr15-45391920-G-C.
Other names: c.3355C>G, p.Pro1119Ala (NM_014080.5); short protein forms P1119A.
Identifiers: ClinVar variation 4745229 (VCV004745229.1).

ClinVar aggregate classification (germline): Uncertain significance (1 of 4 stars; one submission).

Submission:

Labcorp Genetics (formerly Invitae), Labcorp
Classification: Uncertain significance. Last evaluated: 2025-12-14. Review status: criteria provided, single submitter. Criteria: Invitae Variant Classification Sherloc (09022015). Collection method: clinical testing. Allele origin: germline.
Comment: This sequence change replaces proline, which is neutral and non-polar, with alanine, which is neutral and non-polar, at codon 1119 of the DUOX2 protein (p.Pro1119Ala). This variant is not present in population databases (gnomAD no frequency). This variant has not been reported in the literature in individuals affected with DUOX2-related conditions. Invitae Evidence Modeling of protein sequence and biophysical properties (such as structural, functional, and spatial information, amino acid conservation, physicochemical variation, residue mobility, and thermodynamic stability) indicates that this missense variant is expected to disrupt DUOX2 protein function with a positive predictive value of 80%. In summary, the available evidence is currently insufficient to determine the role of this variant in disease. Therefore, it has been classified as a Variant of Uncertain Significance.